The following is an entry in ClinVar:

ClinVar aggregate classification (germline): Uncertain significance (1 of 4 stars; one submission).

Submission:

GeneDx
Classification: Uncertain significance. Last evaluated: 2025-07-09. Review status: criteria provided, single submitter. Criteria: GeneDx Variant Classification Process June 2021. Collection method: clinical testing. Allele origin: germline. Affected: yes.
Comment: Not observed at significant frequency in large population cohorts (gnomAD); In silico analysis supports that this missense variant has a deleterious effect on protein structure/function; Has not been previously published as pathogenic or benign to our knowledge

NM_001042681.2(RERE):c.769A>G (p.Arg257Gly)

Gene: RERE (arginine-glutamic acid dipeptide repeats; minus strand). Cytogenetic location: 1p36.23.
Variant type: single nucleotide variant.
Coding change: c.769A>G on transcript NM_001042681.2 (MANE Select); coding-DNA position 769, A replaced by G.
Protein change: p.Arg257Gly; replaces arginine 257 with glycine.
Molecular consequence: missense variant.
Genome position (GRCh38, 1-based): chr1:8,541,275, T>C on the plus strand (A>G on the coding strand, the complement: RERE is on the minus strand). VCF-style: chr1-8541275-T-C. GRCh37 (hg19) VCF-style: chr1-8601334-T-C.
Other names: c.769A>G, p.Arg257Gly (NM_012102.4); short protein forms R257G.
Identifiers: ClinVar variation 4685333 (VCV004685333.1).